The following is an entry in ClinVar:

ClinVar aggregate classification (germline): Uncertain significance (1 of 4 stars; one submission).

Conditions:
Hereditary cancer-predisposing syndrome. Also called: Hereditary Cancer Syndrome; Hereditary neoplastic syndrome; Neoplastic Syndromes, Hereditary; Tumor predisposition. Identifiers: Orphanet 140162, MedGen C0027672, MeSH D009386, MONDO:0015356.

Submission:

Ambry Genetics
Classification: Uncertain significance for Hereditary cancer-predisposing syndrome. Last evaluated: 2025-04-13. Review status: criteria provided, single submitter. Criteria: Ambry Variant Classification Scheme 2023. Collection method: clinical testing. Allele origin: germline.
Comment: The p.E423G variant (also known as c.1268A>G), located in coding exon 11 of the MRE11A gene, results from an A to G substitution at nucleotide position 1268. The glutamic acid at codon 423 is replaced by glycine, an amino acid with similar properties. This amino acid position is conserved. In addition, the in silico prediction for this alteration is inconclusive. Based on the available evidence, the clinical significance of this variant remains unclear.

NM_005591.4(MRE11):c.1268A>G (p.Glu423Gly)

Gene: MRE11 (MRE11 double strand break repair nuclease; minus strand). Cytogenetic location: 11q21.
Variant type: single nucleotide variant.
Coding change: c.1268A>G on transcript NM_005591.4 (MANE Select); coding-DNA position 1268, A replaced by G.
Protein change: p.Glu423Gly; replaces glutamic acid 423 with glycine.
Molecular consequence: missense variant.
Genome position (GRCh38, 1-based): chr11:94,460,994, T>C on the plus strand (A>G on the coding strand, the complement: MRE11 is on the minus strand). VCF-style: chr11-94460994-T-C. GRCh37 (hg19) VCF-style: chr11-94194160-T-C.
Other names: c.1268A>G, p.Glu423Gly (NM_001330347.2, NM_005590.4); short protein forms E423G.
Identifiers: ClinVar variation 3912875 (VCV003912875.1).